The following is an entry in ClinVar:

ClinVar aggregate classification (germline): Likely benign (1 of 4 stars; one submission).

Conditions:
Hypertrophic cardiomyopathy. Also called: HYPERTROPHIC MYOCARDIOPATHY. Identifiers: Orphanet 217569, MedGen C0007194, MeSH D002312, MONDO:0005045, HP:0001639.

gnomAD v4.1: 1 of 1,614,208 alleles (0.000062%); highest among the groups gnomAD compares: South Asian, 0.0011%; no homozygotes.

Submission:

All of Us Research Program, National Institutes of Health
Classification: Likely benign for Hypertrophic cardiomyopathy. Last evaluated: 2024-06-17. Review status: criteria provided, single submitter. Criteria: ACMG Guidelines, 2015. Collection method: clinical testing. Allele origin: germline. Inheritance: Autosomal dominant inheritance. Observed: 1 variant allele, 1 heterozygote.
Comment: This study involves interpretation of variants in research participants for the purpose of population health screening. Participant phenotype was not available at the time of variant classification. Additional details can be found in publication PMID: 35346344, PMCID: PMC8962531

NM_000258.3(MYL3):c.408G>T (p.Gly136=)

Gene: MYL3 (myosin light chain 3; minus strand). Cytogenetic location: 3p21.31.
Variant type: single nucleotide variant.
Coding change: c.408G>T on transcript NM_000258.3 (MANE Select); coding-DNA position 408, G replaced by T.
Protein change: p.Gly136=; no amino-acid change (glycine 136 retained).
Molecular consequence: synonymous variant.
Genome position (GRCh38, 1-based): chr3:46,859,548, C>A on the plus strand (G>T on the coding strand, the complement: MYL3 is on the minus strand). VCF-style: chr3-46859548-C-A. GRCh37 (hg19) VCF-style: chr3-46901038-C-A.
Other names: c.408G>T, p.Gly136= (NM_001406937.1, NM_001406938.1, NM_001406939.1); c.234G>T, p.Gly78= (NM_001406940.1, NM_001406941.1).
Identifiers: ClinVar variation 3387378 (VCV003387378.1).
Genomic context (GRCh38, chr3:46,859,548, plus strand): 5'-CACGTGGCGAAGCTCAGCACCCATGACAGTGCCATTGCCCTCCTTGTCGAAGACCCGCAG[C>A]CCCTCCACGAAGTCCTCATAGGTGCCTGTGTCCTTGTTCTTGGAAATGTGCTGGAGCATA-3'
Protein context (NP_000249.1, residues 126-146): DTGTYEDFVE[Gly136=]LRVFDKEGNG